The following is an entry in ClinVar:

ClinVar aggregate classification (germline): Uncertain significance (1 of 4 stars; one submission).

gnomAD v4.1: 1 of 1,614,026 alleles (0.000062%); highest among the groups gnomAD compares: Non-Finnish European, 0.000085%; no homozygotes.

Submission:

Labcorp Genetics (formerly Invitae), Labcorp
Classification: Uncertain significance. Last evaluated: 2023-03-03. Review status: criteria provided, single submitter. Criteria: Invitae Variant Classification Sherloc (09022015). Collection method: clinical testing. Allele origin: germline.
Comment: This sequence change replaces proline, which is neutral and non-polar, with leucine, which is neutral and non-polar, at codon 461 of the EMC1 protein (p.Pro461Leu). In summary, the available evidence is currently insufficient to determine the role of this variant in disease. Therefore, it has been classified as a Variant of Uncertain Significance. Advanced modeling of protein sequence and biophysical properties (such as structural, functional, and spatial information, amino acid conservation, physicochemical variation, residue mobility, and thermodynamic stability) performed at Invitae indicates that this missense variant is expected to disrupt EMC1 protein function. This variant has not been reported in the literature in individuals affected with EMC1-related conditions. This variant is not present in population databases (gnomAD no frequency).

NM_015047.3(EMC1):c.1382C>T (p.Pro461Leu)

Genes: EMC1 (ER membrane protein complex subunit 1; minus strand), EMC1-AS1 (EMC1 antisense RNA 1; plus strand). Cytogenetic location: 1p36.13.
Variant type: single nucleotide variant.
Coding change: c.1382C>T on transcript NM_015047.3 (MANE Select); coding-DNA position 1382, C replaced by T.
Protein change: p.Pro461Leu; replaces proline 461 with leucine.
Molecular consequence: missense variant.
Genome position (GRCh38, 1-based): chr1:19,235,180, G>A on the plus strand (C>T on the coding strand, the complement: EMC1 is on the minus strand). VCF-style: chr1-19235180-G-A. GRCh37 (hg19) VCF-style: chr1-19561674-G-A.
Other names: c.1379C>T, p.Pro460Leu (NM_001271427.2, NM_001271428.2, NM_001375821.1); c.1316C>T, p.Pro439Leu (NM_001271429.2); c.1382C>T, p.Pro461Leu (NM_001375820.1); short protein forms P439L, P460L, P461L.
Identifiers: ClinVar variation 2837202 (VCV002837202.3), dbSNP rs2536746590, ClinGen allele CA338764047.